The following is an entry in ClinVar:

NM_004006.3(DMD):c.4295del (p.Gln1432fs)

Gene: DMD (dystrophin; minus strand). Cytogenetic location: Xp21.1.
Variant type: Deletion.
Coding change: c.4295del on transcript NM_004006.3 (MANE Select); coding-DNA position 4295, one base deleted (A; older notation c.4295delA).
Protein change: p.Gln1432fs; shifts the reading frame from glutamine 1432.
Molecular consequence: frameshift variant.
Genome position (GRCh38, 1-based): chrX:32,390,120, T deleted on the plus strand (A on the coding strand, the reverse complement: DMD is on the minus strand). VCF-style (leftmost placement, unchanged base first): chrX-32390119-CT-C. GRCh37 (hg19) VCF-style: chrX-32408236-CT-C.
Other names: c.4271del, p.Gln1424fs (NM_000109.4); c.4283del, p.Gln1428fs (NM_004009.3); c.3926del, p.Gln1309fs (NM_004010.3); c.272del, p.Gln91fs (NM_004011.4); c.263del, p.Gln88fs (NM_004012.4); short protein forms Q1432fs, Q1309fs, Q1424fs, Q1428fs, Q91fs, Q88fs.
Identifiers: ClinVar variation 501338 (VCV000501338.10), dbSNP rs1557322834, ClinGen allele CA658799659.

ClinVar aggregate classification (germline): Pathogenic. Review status: criteria provided, multiple submitters, no conflicts (2 of 4 stars). 3 submissions from 3 submitters: Pathogenic (3). Last evaluated 2021-09-03.

Conditions:
Duchenne muscular dystrophy (DMD). Also called: MUSCULAR DYSTROPHY, PSEUDOHYPERTROPHIC PROGRESSIVE, DUCHENNE TYPE; Duchenne Muscular Dystrophy (DMD). Identifiers: Orphanet 98896, MedGen C0013264, MONDO:0010679, OMIM 310200.

Submissions (3):

Revvity Omics, Revvity
Classification: Pathogenic. Last evaluated: 2021-09-03. Review status: criteria provided, single submitter. Criteria: ACMG Guidelines, 2015. Collection method: clinical testing. Allele origin: germline.

Labcorp Genetics (formerly Invitae), Labcorp
Classification: Pathogenic for Duchenne muscular dystrophy. Last evaluated: 2018-12-19. Review status: criteria provided, single submitter. Criteria: Invitae Variant Classification Sherloc (09022015). Collection method: clinical testing. Allele origin: germline.
Comment: This sequence change creates a premature translational stop signal (p.Gln1432Argfs*25) in the DMD gene. It is expected to result in an absent or disrupted protein product. This variant is not present in population databases (ExAC no frequency). This variant has not been reported in the literature in individuals with DMD-related conditions. ClinVar contains an entry for this variant (Variation ID:Â¬â€ 501338). Loss-of-function variants in DMD are known to be pathogenic (PMID: 16770791, 25007885). For these reasons, this variant has been classified as Pathogenic.

Eurofins Ntd Llc (ga)
Classification: Pathogenic. Last evaluated: 2017-04-19. Review status: criteria provided, single submitter. Criteria: EGL Classification Definitions 2015. Collection method: clinical testing. Allele origin: germline. Observed: 1 variant allele, 1 heterozygote.